The following is an entry in ClinVar:

NM_001388492.1(HTT):c.6250G>A (p.Gly2084Arg)

Gene: HTT (huntingtin; plus strand). Cytogenetic location: 4p16.3.
Variant type: single nucleotide variant.
Coding change: c.6250G>A on transcript NM_001388492.1 (MANE Select); coding-DNA position 6250, G replaced by A.
Protein change: p.Gly2084Arg; replaces glycine 2084 with arginine.
Molecular consequence: missense variant.
Genome position (GRCh38, 1-based): chr4:3,208,870, G>A. VCF-style: chr4-3208870-G-A. GRCh37 (hg19) VCF-style: chr4-3210597-G-A.
Other names: c.6256G>A, p.Gly2086Arg (NM_002111.8); short protein forms G2084R, G2086R.
Identifiers: ClinVar variation 1405485 (VCV001405485.8), dbSNP rs780493120, ClinGen allele CA2824983.

ClinVar aggregate classification (germline): Uncertain significance. Review status: criteria provided, multiple submitters, no conflicts (2 of 4 stars). 2 submissions from 2 submitters: Uncertain significance (2). Last evaluated 2024-03-25.

Conditions:
Huntington disease (HD). Also called: HUNTINGTON CHOREA; Huntington's chorea; Huntington's disease. Identifiers: Orphanet 248111, Orphanet 399, MedGen C0020179, MONDO:0007739, OMIM 143100.

Allele frequency attached by ClinVar (database versions not stated): TOPMed below 0.00001; gnomAD exomes 0.00001 and 0.00003; ExAC 0.00003.
gnomAD v4.1: 19 of 1,613,996 alleles (0.0012%); highest among the groups gnomAD compares: South Asian, 0.0022%; no homozygotes.

Submissions (2):

Genomic Medicine Center of Excellence, King Faisal Specialist Hospital and Research Centre
Classification: Uncertain significance for Huntington disease. Last evaluated: 2024-03-25. Review status: criteria provided, single submitter. Criteria: ACMG Guidelines, 2015. Collection method: research. Allele origin: germline.

Labcorp Genetics (formerly Invitae), Labcorp
Classification: Uncertain significance. Last evaluated: 2021-01-30. Review status: criteria provided, single submitter. Criteria: Invitae Variant Classification Sherloc (09022015). Collection method: clinical testing. Allele origin: germline.
Comment: In summary, the available evidence is currently insufficient to determine the role of this variant in disease. Therefore, it has been classified as a Variant of Uncertain Significance. Experimental studies and prediction algorithms are not available or were not evaluated, and the functional significance of this variant is currently unknown. This variant has not been reported in the literature in individuals with HTT-related conditions. This variant is present in population databases (rs780493120, ExAC 0.006%). This sequence change replaces glycine with arginine at codon 2086 of the HTT protein (p.Gly2086Arg). The glycine residue is highly conserved and there is a moderate physicochemical difference between glycine and arginine.